The following is an entry in ClinVar:

NM_006904.7(PRKDC):c.8522A>G (p.Asn2841Ser)

Gene: PRKDC (protein kinase, DNA-activated, catalytic subunit; minus strand). Cytogenetic location: 8q11.21.
Variant type: single nucleotide variant.
Coding change: c.8522A>G on transcript NM_006904.7 (MANE Select); coding-DNA position 8522, A replaced by G.
Protein change: p.Asn2841Ser; replaces asparagine 2841 with serine.
Molecular consequence: missense variant.
Genome position (GRCh38, 1-based): chr8:47,828,223, T>C on the plus strand (A>G on the coding strand, the complement: PRKDC is on the minus strand). VCF-style: chr8-47828223-T-C. GRCh37 (hg19) VCF-style: chr8-48740784-T-C.
Other names: c.8522A>G, p.Asn2841Ser (NM_001081640.2); short protein forms N2841S.
Identifiers: ClinVar variation 1503267 (VCV001503267.5), dbSNP rs201099258, ClinGen allele CA4739806.
Genomic context (GRCh38, chr8:47,828,223, plus strand): 5'-TTTACCTGAATACAAGAGACAAAGGGTGGAAAGAAAGAGAAGGTGGTATTAAGAAAACGA[T>C]TGAAGTCTTGAAGCAACTTTTGAGTGATGTTGTTTTTTTCAGACAGTGTCTTAAATTTAT-3'
Protein context (NP_008835.5, residues 2831-2851): NITQKLLQDF[Asn2841Ser]RFLNTTFSFF

ClinVar aggregate classification (germline): Uncertain significance (1 of 4 stars; one submission).

Conditions:
Severe combined immunodeficiency due to DNA-PKcs deficiency. Also called: IMMUNODEFICIENCY 26 WITH NEUROLOGIC ABNORMALITIES; Immunodeficiency 26 with or without neurologic abnormalities. Identifiers: Orphanet 317425, MedGen C4014833, MONDO:0014423, OMIM 615966.

Allele frequency attached by ClinVar (database versions not stated): TOPMed 0.00004; gnomAD exomes 0.00012; ExAC 0.00014; 1000 Genomes Project 30x 0.00016; ESP Exome Variant Server 0.00017; 1000 Genomes Project 0.00020.
gnomAD v4.1: 113 of 1,613,786 alleles (0.007%); highest among the groups gnomAD compares: East Asian, 0.038%; no homozygotes.

Submission:

Labcorp Genetics (formerly Invitae), Labcorp
Classification: Uncertain significance for Severe combined immunodeficiency due to DNA-PKcs deficiency. Last evaluated: 2022-08-07. Review status: criteria provided, single submitter. Criteria: Invitae Variant Classification Sherloc (09022015). Collection method: clinical testing. Allele origin: germline.
Comment: This sequence change replaces asparagine, which is neutral and polar, with serine, which is neutral and polar, at codon 2841 of the PRKDC protein (p.Asn2841Ser). This variant is present in population databases (rs201099258, gnomAD 0.07%). This variant has not been reported in the literature in individuals affected with PRKDC-related conditions. ClinVar contains an entry for this variant (Variation ID: 1503267). Experimental studies and prediction algorithms are not available or were not evaluated, and the functional significance of this variant is currently unknown. In summary, the available evidence is currently insufficient to determine the role of this variant in disease. Therefore, it has been classified as a Variant of Uncertain Significance.